The following is an entry in ClinVar:

ClinVar aggregate classification (germline): Uncertain significance. Review status: criteria provided, single submitter (1 of 4 stars). 2 submissions from 2 submitters: Uncertain significance (1). 1 of the submissions does not count toward it. Last evaluated 2024-06-13.

Conditions:
Histiocytic medullary reticulosis. Also called: SEVERE COMBINED IMMUNODEFICIENCY WITH HYPEREOSINOPHILIA; Omenn syndrome. Identifiers: Orphanet 39041, MedGen C2700553, MONDO:0011338, OMIM 603554.

Allele frequency attached by ClinVar (database versions not stated): gnomAD exomes below 0.00001; gnomAD 0.00001; TOPMed 0.00001.
gnomAD v4.1: 5 of 1,614,080 alleles (0.00031%); highest among the groups gnomAD compares: Non-Finnish European, 0.00042%; no homozygotes.

Submissions (2):

Women's Health and Genetics/Laboratory Corporation of America, LabCorp
Classification: Uncertain significance. Last evaluated: 2024-06-13. Review status: criteria provided, single submitter. Criteria: LabCorp Variant Classification Summary - May 2015. Collection method: clinical testing. Allele origin: germline.
Comment: Variant summary: DCLRE1C c.756G>C (p.Gln252His) results in a non-conservative amino acid change located in the DNA repair metallo-beta-lactamase domain (IPR011084) of the encoded protein sequence. Four of five in-silico tools predict a damaging effect of the variant on protein function. The variant allele was found at a frequency of 4e-06 in 251472 control chromosomes. The available data on variant occurrences in the general population are insufficient to allow any conclusion about variant significance. To our knowledge, no occurrence of c.756G>C in individuals affected with DCLRE1C-related conditions and no experimental evidence demonstrating its impact on protein function have been reported. ClinVar contains an entry for this variant (Variation ID: 989763). Based on the evidence outlined above, the variant was classified as uncertain significance.

Natera, Inc.
Classification: Uncertain significance for Omenn syndrome. Last evaluated: 2020-04-13. Review status: no assertion criteria provided. Collection method: clinical testing. Allele origin: germline. Not counted in ClinVar's aggregate classification.

NM_001033855.3(DCLRE1C):c.756G>C (p.Gln252His)

Gene: DCLRE1C (DNA cross-link repair 1C; minus strand). Cytogenetic location: 10p13.
Variant type: single nucleotide variant.
Coding change: c.756G>C on transcript NM_001033855.3 (MANE Select); coding-DNA position 756, G replaced by C.
Protein change: p.Gln252His; replaces glutamine 252 with histidine.
Molecular consequence: missense variant. On other transcripts: non-coding transcript variant (4).
Genome position (GRCh38, 1-based): chr10:14,932,878, C>G on the plus strand (G>C on the coding strand, the complement: DCLRE1C is on the minus strand). VCF-style: chr10-14932878-C-G. GRCh37 (hg19) VCF-style: chr10-14974877-C-G.
Other names: c.396G>C, p.Gln132His (NM_001033857.3, NM_001033858.3, NM_001289077.2 and 2 more transcripts); c.411G>C, p.Gln137His (NM_001289076.2, NM_001289078.2, NM_001350966.2 and 1 more transcripts); c.756G>C, p.Gln252His (NM_001350965.2); short protein forms Q132H, Q137H, Q252H.
Identifiers: ClinVar variation 989763 (VCV000989763.2), dbSNP rs1249898599, ClinGen allele CA376058362.